The following is an entry in ClinVar:

NM_001430.5(EPAS1):c.1287G>T (p.Lys429Asn)

Gene: EPAS1 (endothelial PAS domain protein 1; plus strand). Cytogenetic location: 2p21.
Variant type: single nucleotide variant.
Coding change: c.1287G>T on transcript NM_001430.5 (MANE Select); coding-DNA position 1287, G replaced by T.
Protein change: p.Lys429Asn; replaces lysine 429 with asparagine.
Molecular consequence: missense variant.
Genome position (GRCh38, 1-based): chr2:46,377,931, G>T. VCF-style: chr2-46377931-G-T. GRCh37 (hg19) VCF-style: chr2-46605070-G-T.
Other names: short protein forms K429N.
Identifiers: ClinVar variation 3275695 (VCV003275695.1).

ClinVar aggregate classification (germline): Uncertain significance (1 of 4 stars; one submission).

Conditions:
Inborn genetic diseases. Identifiers: MedGen C0950123, MeSH D030342.

Submission:

Ambry Genetics
Classification: Uncertain significance for Inborn genetic diseases. Last evaluated: 2024-04-06. Review status: criteria provided, single submitter. Criteria: Ambry Variant Classification Scheme 2023. Collection method: clinical testing. Allele origin: germline.
Comment: The p.K429N variant (also known as c.1287G>T), located in coding exon 10 of the EPAS1 gene, results from a G to T substitution at nucleotide position 1287. The lysine at codon 429 is replaced by asparagine, an amino acid with similar properties. This amino acid position is conserved. In addition, this alteration is predicted to be tolerated by in silico analysis. Based on the available evidence, the clinical significance of this variant remains unclear.